The following is an entry in ClinVar:

NM_004360.5(CDH1):c.*746C>A

Gene: CDH1 (cadherin 1; plus strand). Cytogenetic location: 16q22.1.
Variant type: single nucleotide variant.
Coding change: c.*746C>A on transcript NM_004360.5 (MANE Select); 746 bases downstream of the stop codon, C replaced by A.
Molecular consequence: 3 prime UTR variant.
Genome position (GRCh38, 1-based): chr16:68,834,245, C>A. VCF-style: chr16-68834245-C-A. GRCh37 (hg19) VCF-style: chr16-68868148-C-A.
Other names: c.*746C>A (LRG_301t1, NM_001317184.2, NM_001317185.2 and 1 more transcripts).
Identifiers: ClinVar variation 320285 (VCV000320285.7), dbSNP rs140240766, ClinGen allele CA8130333.

ClinVar aggregate classification (germline): Benign/Likely benign. Review status: criteria provided, multiple submitters, no conflicts (2 of 4 stars). 2 submissions from 2 submitters: Benign (1); Likely benign (1). Last evaluated 2024-01-23.

Conditions:
Hereditary cancer. Identifiers: MedGen C1333600.
Hereditary diffuse gastric adenocarcinoma (HDGC). Also called: DIFFUSE GASTRIC AND LOBULAR BREAST CANCER SYNDROME. Identifiers: Orphanet 26106, MedGen C1708349, MONDO:0007648, OMIM 137215.

Allele frequency attached by ClinVar (database versions not stated): gnomAD exomes 0.00036 and 0.00045; ExAC 0.00038; 1000 Genomes Project 30x 0.00047; 1000 Genomes Project 0.00060; TOPMed 0.00066; gnomAD 0.00068 and 0.00069.
gnomAD v4.1: 264 of 509,224 alleles (0.052%); highest among the groups gnomAD compares: African/African-American, 0.14%; no homozygotes.

Submissions (2):

Mendelics
Classification: Likely benign for Hereditary cancer. Last evaluated: 2024-01-23. Review status: criteria provided, single submitter. Criteria: ACMG Guidelines, 2015. Collection method: clinical testing. Allele origin: unknown.

Illumina Laboratory Services, Illumina
Classification: Benign for Hereditary diffuse gastric adenocarcinoma. Last evaluated: 2018-01-12. Review status: criteria provided, single submitter. Criteria: ICSL Variant Classification Criteria 13 December 2019. Collection method: clinical testing. Allele origin: germline.
Comment: This variant was observed in the ICSL laboratory as part of a predisposition screen in an ostensibly healthy population. It had not been previously curated by ICSL or reported in the Human Gene Mutation Database (HGMD: prior to June 1st, 2018), and was therefore a candidate for classification through an automated scoring system. Utilizing variant allele frequency, disease prevalence and penetrance estimates, and inheritance mode, an automated score was calculated to assess if this variant is too frequent to cause the disease. Based on the score and internal cut-off values, a variant classified as benign is not then subjected to further curation. The score for this variant resulted in a classification of benign for this disease.